The following is an entry in ClinVar:

ClinVar aggregate classification (germline): Conflicting classifications of pathogenicity. Review status: criteria provided, conflicting classifications (1 of 4 stars). 2 submissions from 2 submitters: Uncertain significance (1); Likely benign (1). Last evaluated 2023-03-23.

Conditions:
Hereditary cancer-predisposing syndrome. Also called: Hereditary Cancer Syndrome; Neoplastic Syndromes, Hereditary; Tumor predisposition; Hereditary neoplastic syndrome. Identifiers: Orphanet 140162, MedGen C0027672, MeSH D009386, MONDO:0015356.

Submissions (2):

University of Washington Department of Laboratory Medicine, University of Washington
Classification: Likely benign for Hereditary cancer-predisposing syndrome. Last evaluated: 2023-03-23. Review status: criteria provided, single submitter. Criteria: Dines et al. (Genet Med. 2020). Collection method: curation. Allele origin: germline.
Comment: Missense variant in a coldspot region where missense variants are very unlikely to be pathogenic (PMID:31911673).

BRCA2 exon 11 coldspot. Reclassification based on statistical prior probability.

Ambry Genetics
Classification: Uncertain significance for Hereditary cancer-predisposing syndrome. Last evaluated: 2021-09-01. Review status: criteria provided, single submitter. Criteria: Ambry Variant Classification Scheme 2023. Collection method: clinical testing. Allele origin: germline.
Comment: The p.E1811D variant (also known as c.5433G>T), located in coding exon 10 of the BRCA2 gene, results from a G to T substitution at nucleotide position 5433. The glutamic acid at codon 1811 is replaced by aspartic acid, an amino acid with highly similar properties. This amino acid position is poorly conserved in available vertebrate species. In addition, this alteration is predicted to be tolerated by in silico analysis. Since supporting evidence is limited at this time, the clinical significance of this alteration remains unclear.

NM_000059.4(BRCA2):c.5433G>T (p.Glu1811Asp)

Gene: BRCA2 (BRCA2 DNA repair associated; plus strand). Cytogenetic location: 13q13.1.
Variant type: single nucleotide variant.
Coding change: c.5433G>T on transcript NM_000059.4 (MANE Select); coding-DNA position 5433, G replaced by T.
Protein change: p.Glu1811Asp; replaces glutamic acid 1811 with aspartic acid.
Molecular consequence: missense variant.
Genome position (GRCh38, 1-based): chr13:32,339,788, G>T. VCF-style: chr13-32339788-G-T. GRCh37 (hg19) VCF-style: chr13-32913925-G-T.
Other names: c.5433G>T, p.Glu1811Asp (NM_001406719.1, NM_001406720.1); short protein forms E1811D.
Identifiers: ClinVar variation 1747511 (VCV001747511.4), dbSNP rs2137517478, ClinGen allele CA387785495.